The following is an entry in ClinVar:

NM_015978.3(TNNI3K):c.2119G>T (p.Glu707Ter)

Genes: TNNI3K (TNNI3 interacting kinase; plus strand), FPGT-TNNI3K (FPGT-TNNI3K readthrough; plus strand). Cytogenetic location: 1p31.1.
Variant type: single nucleotide variant.
Coding change: c.2119G>T on transcript NM_015978.3 (MANE Select); coding-DNA position 2119, G replaced by T.
Protein change: p.Glu707Ter; replaces glutamic acid 707 with a stop codon.
Molecular consequence: nonsense.
Genome position (GRCh38, 1-based): chr1:74,463,548, G>T. VCF-style: chr1-74463548-G-T. GRCh37 (hg19) VCF-style: chr1-74929232-G-T.
Other names: c.2422G>T, p.Glu808Ter (NM_001112808.3, NM_001199327.2); short protein forms E808*, E707*.
Identifiers: ClinVar variation 1395634 (VCV001395634.6), dbSNP rs2100722479, ClinGen allele CA340787622.
Genomic context (GRCh38, chr1:74,463,548, plus strand): 5'-GGCTATTCCATTCCCAAGCCCATATCATCTCTGCTGATACGAGGGTGGAACGCATGTCCT[G>T]AAGTGAGTAATTTTTATTTCCTCTTAGAAAATGTGTTATGGTCAAAATCTGTCACAAATA-3'

ClinVar aggregate classification (germline): Uncertain significance (1 of 4 stars; one submission).

Submission:

Labcorp Genetics (formerly Invitae), Labcorp
Classification: Uncertain significance. Last evaluated: 2022-08-16. Review status: criteria provided, single submitter. Criteria: Invitae Variant Classification Sherloc (09022015). Collection method: clinical testing. Allele origin: germline.
Comment: In summary, the available evidence is currently insufficient to determine the role of this variant in disease. Therefore, it has been classified as a Variant of Uncertain Significance. ClinVar contains an entry for this variant (Variation ID: 1395634). This variant has not been reported in the literature in individuals affected with TNNI3K-related conditions. This variant is not present in population databases (gnomAD no frequency). This sequence change creates a premature translational stop signal (p.Glu707*) in the TNNI3K gene. It is expected to result in an absent or disrupted protein product. However, the current clinical and genetic evidence is not sufficient to establish whether loss-of-function variants in TNNI3K cause disease.